The following is an entry in ClinVar:

ClinVar aggregate classification (germline): Uncertain significance (1 of 4 stars; one submission).

Allele frequency attached by ClinVar (database versions not stated): gnomAD exomes below 0.00001.
gnomAD v4.1: 7 of 1,614,112 alleles (0.00043%); highest among the groups gnomAD compares: Non-Finnish European, 0.00059%; no homozygotes.

Submission:

Labcorp Genetics (formerly Invitae), Labcorp
Classification: Uncertain significance. Last evaluated: 2022-12-30. Review status: criteria provided, single submitter. Criteria: Invitae Variant Classification Sherloc (09022015). Collection method: clinical testing. Allele origin: germline.
Comment: This sequence change replaces methionine, which is neutral and non-polar, with isoleucine, which is neutral and non-polar, at codon 90 of the SCNN1B protein (p.Met90Ile). This variant is not present in population databases (gnomAD no frequency). This variant has not been reported in the literature in individuals affected with SCNN1B-related conditions. Advanced modeling of protein sequence and biophysical properties (such as structural, functional, and spatial information, amino acid conservation, physicochemical variation, residue mobility, and thermodynamic stability) performed at Invitae indicates that this missense variant is not expected to disrupt SCNN1B protein function. Algorithms developed to predict the effect of sequence changes on RNA splicing suggest that this variant may create or strengthen a splice site. In summary, the available evidence is currently insufficient to determine the role of this variant in disease. Therefore, it has been classified as a Variant of Uncertain Significance.

NM_000336.3(SCNN1B):c.270G>A (p.Met90Ile)

Gene: SCNN1B (sodium channel epithelial 1 subunit beta; plus strand). Cytogenetic location: 16p12.2.
Variant type: single nucleotide variant.
Coding change: c.270G>A on transcript NM_000336.3 (MANE Select); coding-DNA position 270, G replaced by A.
Protein change: p.Met90Ile; replaces methionine 90 with isoleucine.
Molecular consequence: missense variant.
Genome position (GRCh38, 1-based): chr16:23,348,869, G>A. VCF-style: chr16-23348869-G-A. GRCh37 (hg19) VCF-style: chr16-23360190-G-A.
Other names: c.270G>A, p.Met90Ile (NM_001410900.1); short protein forms M90I.
Identifiers: ClinVar variation 2786940 (VCV002786940.3), dbSNP rs1962246672, ClinGen allele CA395113708.
Genomic context (GRCh38, chr16:23,348,869, plus strand): 5'-CATCAGGACCTACTTGAGCTGGGAGGTCAGCGTCTCCCTCTCCGTAGGCTTCAAGACCAT[G>A]GACTTCCCTGCCGTCACCATCTGCAATGCTAGCCCCTTCAAGTAGGTGGCCCCGGAGTGC-3'
Protein context (NP_000327.2, residues 80-100): SVSLSVGFKT[Met90Ile]DFPAVTICNA